The following is an entry in ClinVar:

NM_001276270.2(MBD4):c.325T>C (p.Tyr109His)

Gene: MBD4 (methyl-CpG binding domain 4, DNA glycosylase; minus strand). Cytogenetic location: 3q21.3.
Variant type: single nucleotide variant.
Coding change: c.325T>C on transcript NM_001276270.2 (MANE Select); coding-DNA position 325, T replaced by C.
Protein change: p.Tyr109His; replaces tyrosine 109 with histidine.
Molecular consequence: missense variant. On other transcripts: intron variant (1).
Genome position (GRCh38, 1-based): chr3:129,437,730, A>G on the plus strand (T>C on the coding strand, the complement: MBD4 is on the minus strand). VCF-style: chr3-129437730-A-G. GRCh37 (hg19) VCF-style: chr3-129156573-A-G.
Other names: c.325T>C, p.Tyr109His (NM_001276271.2, NM_001276272.2, NM_003925.3); c.247+78T>C (NM_001276273.2); short protein forms Y109H.
Identifiers: ClinVar variation 4104604 (VCV004104604.1).

ClinVar aggregate classification (germline): Uncertain significance (1 of 4 stars; one submission).

Conditions:
Inborn genetic diseases. Identifiers: MedGen C0950123, MeSH D030342.

gnomAD v4.1: 2 of 1,611,708 alleles (0.00012%); highest among the groups gnomAD compares: Admixed American, 0.0033%; no homozygotes.

Submission:

Ambry Genetics
Classification: Uncertain significance for Inborn genetic diseases. Last evaluated: 2025-06-29. Review status: criteria provided, single submitter. Criteria: Ambry Variant Classification Scheme 2023. Collection method: clinical testing. Allele origin: germline.
Comment: The p.Y109H variant (also known as c.325T>C), located in coding exon 2 of the MBD4 gene, results from a T to C substitution at nucleotide position 325. The tyrosine at codon 109 is replaced by histidine, an amino acid with similar properties. This amino acid position is conserved. In addition, the in silico prediction for this alteration is inconclusive. Based on the available evidence, the clinical significance of this variant remains unclear.